The following is an entry in ClinVar:

ClinVar aggregate classification (germline): Uncertain significance. Review status: criteria provided, multiple submitters, no conflicts (2 of 4 stars). 2 submissions from 2 submitters: Uncertain significance (2). Last evaluated 2024-04-04.

Conditions:
Pityriasis rubra pilaris (PRP). Also called: Pityriasis rubra pilaris--familial type. Identifiers: Orphanet 2897, MedGen C0032027, MONDO:0100017, OMIM 173200, MONDO:0008251.
Psoriasis 2. Identifiers: MedGen C1864497, MONDO:0011269, OMIM 602723.

Submissions (2):

Genomic Medicine Center of Excellence, King Faisal Specialist Hospital and Research Centre
Classification: Uncertain significance for Psoriasis 2. Last evaluated: 2024-04-04. Review status: criteria provided, single submitter. Criteria: ACMG Guidelines, 2015. Collection method: clinical testing. Allele origin: germline.

Labcorp Genetics (formerly Invitae), Labcorp
Classification: Uncertain significance for Pityriasis rubra pilaris; Psoriasis 2. Last evaluated: 2022-08-15. Review status: criteria provided, single submitter. Criteria: Invitae Variant Classification Sherloc (09022015). Collection method: clinical testing. Allele origin: germline.
Comment: This sequence change creates a premature translational stop signal (p.Cys846Profs*6) in the CARD14 gene. It is expected to result in an absent or disrupted protein product. However, the current clinical and genetic evidence is not sufficient to establish whether loss-of-function variants in CARD14 cause disease. This variant is not present in population databases (gnomAD no frequency). This variant has not been reported in the literature in individuals affected with CARD14-related conditions. In summary, the available evidence is currently insufficient to determine the role of this variant in disease. Therefore, it has been classified as a Variant of Uncertain Significance.

NM_001366385.1(CARD14):c.2536_2537del (p.Cys846fs)

Genes: CARD14 (caspase recruitment domain family member 14; plus strand), SGSH (N-sulfoglucosamine sulfohydrolase; minus strand), LOC126862662 (MED14-independent group 3 enhancer GRCh37_chr17:78178385-78179584; plus strand). Cytogenetic location: 17q25.3.
Variant type: Microsatellite.
Coding change: c.2536_2537del on transcript NM_001366385.1 (MANE Select); coding-DNA positions 2536 to 2537, 2 bases deleted (TG; older notation c.2536_2537delTG).
Protein change: p.Cys846fs; shifts the reading frame from cysteine 846.
Molecular consequence: frameshift variant. On other transcripts: non-coding transcript variant (1).
Genome position (GRCh38, 1-based): chr17:80,205,172-80,205,173, TG deleted; deleting any 2 consecutive bases within chr17:80,205,170-80,205,173 gives the same sequence; the c. name uses the placement nearest the transcript's 3' end. VCF-style (leftmost placement, unchanged base first): chr17-80205169-CTG-C. GRCh37 (hg19) VCF-style: chr17-78178968-CTG-C.
Other names: c.2536_2537del, p.Cys846fs (NM_024110.4); short protein forms C846fs.
Identifiers: ClinVar variation 2093812 (VCV002093812.5), dbSNP rs2041219956, ClinGen allele CA986724747.
Genomic context (GRCh38, chr17:80,205,169, plus strand): 5'-GCCCGGCCCCGGCCTGTGCTCCTCGTGCCCAGGGCGGTTGGGAAGATCCTGAGCGAGAAA[CTG>C]TGCCTCCTCCAAGGGTTTAAGAAGTGCCTGGCAGGTATGCTGTTGCCTGGGAATCCCTCT-3'